The following is an entry in ClinVar:

NM_006268.5(DPF2):c.718G>T (p.Asp240Tyr)

Gene: DPF2 (double PHD fingers 2; plus strand). Cytogenetic location: 11q13.1.
Variant type: single nucleotide variant.
Coding change: c.718G>T on transcript NM_006268.5 (MANE Select); coding-DNA position 718, G replaced by T.
Protein change: p.Asp240Tyr; replaces aspartic acid 240 with tyrosine.
Molecular consequence: missense variant.
Genome position (GRCh38, 1-based): chr11:65,345,746, G>T. VCF-style: chr11-65345746-G-T. GRCh37 (hg19) VCF-style: chr11-65113217-G-T.
Other names: c.760G>T, p.Asp254Tyr (NM_001330308.2); short protein forms D254Y, D240Y.
Identifiers: ClinVar variation 2711162 (VCV002711162.3), dbSNP rs1205061215, ClinGen allele CA381253774.
Genomic context (GRCh38, chr11:65,345,746, plus strand): 5'-AACCGACCAGGCCTCAGTTACCACTATGCCCACTCCCACTTGGCTGAGGAGGAGGGCGAG[G>T]ACAAGGAAGACTCTCAACCACCCACTCCTGTTTCCCAGAGGTCTGAGGAGCAGAAATGTA-3'
Protein context (NP_006259.1, residues 230-250): HSHLAEEEGE[Asp240Tyr]KEDSQPPTPV

ClinVar aggregate classification (germline): Uncertain significance (1 of 4 stars; one submission).

Submission:

Labcorp Genetics (formerly Invitae), Labcorp
Classification: Uncertain significance. Last evaluated: 2024-01-24. Review status: criteria provided, single submitter. Criteria: Invitae Variant Classification Sherloc (09022015). Collection method: clinical testing. Allele origin: germline.
Comment: This sequence change replaces aspartic acid, which is acidic and polar, with tyrosine, which is neutral and polar, at codon 240 of the DPF2 protein (p.Asp240Tyr). This variant is not present in population databases (gnomAD no frequency). This variant has not been reported in the literature in individuals affected with DPF2-related conditions. An algorithm developed to predict the effect of missense changes on protein structure and function (PolyPhen-2) suggests that this variant is likely to be tolerated. In summary, the available evidence is currently insufficient to determine the role of this variant in disease. Therefore, it has been classified as a Variant of Uncertain Significance.